The following is an entry in ClinVar:

ClinVar aggregate classification (germline): Uncertain significance (1 of 4 stars; one submission).

Conditions:
Inflammatory bowel disease 28. Also called: Inflammatory bowel disease 28, early onset, autosomal recessive. Identifiers: Orphanet 238569, MedGen C2751053, MONDO:0013153, OMIM 613148.

Allele frequency attached by ClinVar (database versions not stated): gnomAD exomes below 0.00001; TOPMed below 0.00001.
gnomAD v4.1: 1 of 1,613,486 alleles (0.000062%); highest among the groups gnomAD compares: African/African-American, 0.0013%; no homozygotes.

Submission:

Labcorp Genetics (formerly Invitae), Labcorp
Classification: Uncertain significance for Inflammatory bowel disease 28. Last evaluated: 2021-07-11. Review status: criteria provided, single submitter. Criteria: Invitae Variant Classification Sherloc (09022015). Collection method: clinical testing. Allele origin: germline.
Comment: This variant has not been reported in the literature in individuals with IL10RA-related conditions. Algorithms developed to predict the effect of missense changes on protein structure and function (SIFT, PolyPhen-2, Align-GVGD) all suggest that this variant is likely to be tolerated, but these predictions have not been confirmed by published functional studies and their clinical significance is uncertain. In summary, the available evidence is currently insufficient to determine the role of this variant in disease. Therefore, it has been classified as a Variant of Uncertain Significance. This sequence change replaces serine with glycine at codon 268 of the IL10RA protein (p.Ser268Gly). The serine residue is weakly conserved and there is a small physicochemical difference between serine and glycine. This variant is not present in population databases (ExAC no frequency).

NM_001558.4(IL10RA):c.802A>G (p.Ser268Gly)

Gene: IL10RA (interleukin 10 receptor subunit alpha; plus strand). Cytogenetic location: 11q23.3.
Variant type: single nucleotide variant.
Coding change: c.802A>G on transcript NM_001558.4 (MANE Select); coding-DNA position 802, A replaced by G.
Protein change: p.Ser268Gly; replaces serine 268 with glycine.
Molecular consequence: missense variant. On other transcripts: non-coding transcript variant (1).
Genome position (GRCh38, 1-based): chr11:117,995,702, A>G. VCF-style: chr11-117995702-A-G. GRCh37 (hg19) VCF-style: chr11-117866417-A-G.
Other names: short protein forms S268G.
Identifiers: ClinVar variation 853446 (VCV000853446.10), dbSNP rs2058051810, ClinGen allele CA382776944.
Genomic context (GRCh38, chr11:117,995,702, plus strand): 5'-GGAGCCCTCGCCTACTGCCTGGCCCTCCAGCTGTATGTGCGGCGCCGAAAGAAGCTACCC[A>G]GTGTCCTGGTGAGTCTTGCAAGGAGGTCACTGCCCCGTCCTTCCCAGCCACACCCGAGCT-3'
Protein context (NP_001549.2, residues 258-278): LYVRRRKKLP[Ser268Gly]VLLFKKPSPF